The following is an entry in ClinVar:

ClinVar aggregate classification (germline): Uncertain significance (0 of 4 stars; one submission).

Submission:

Richard Lifton Laboratory, Yale University School of Medicine
Classification: Uncertain significance. Review status: no assertion criteria provided. Collection method: not provided. Allele origin: somatic.
Comment: SFRS15
ClinVar note: Converted during submission from unknown to Uncertain significance.

NM_020706.2(SCAF4):c.1518C>T (p.Cys506=)

Gene: SCAF4 (SR-related CTD associated factor 4; minus strand). Cytogenetic location: 21q22.11.
Variant type: single nucleotide variant.
Coding change: c.1518C>T on transcript NM_020706.2 (MANE Select); coding-DNA position 1518, C replaced by T.
Protein change: p.Cys506=; no amino-acid change (cysteine 506 retained).
Molecular consequence: synonymous variant.
Genome position (GRCh38, 1-based): chr21:31,692,445, G>A on the plus strand (C>T on the coding strand, the complement: SCAF4 is on the minus strand). VCF-style: chr21-31692445-G-A. GRCh37 (hg19) VCF-style: chr21-33064758-G-A.
Other names: c.1473C>T, p.Cys491= (NM_001145444.1); c.1518C>T, p.Cys506= (NM_001145445.1).
Identifiers: ClinVar variation 92007 (VCV000092007.2), dbSNP rs386352359, ClinGen allele CA232339.